The following is an entry in ClinVar:

NM_003619.4(PRSS12):c.523G>A (p.Gly175Ser)

Gene: PRSS12 (serine protease 12; minus strand). Cytogenetic location: 4q26.
Variant type: single nucleotide variant.
Coding change: c.523G>A on transcript NM_003619.4 (MANE Select); coding-DNA position 523, G replaced by A.
Protein change: p.Gly175Ser; replaces glycine 175 with serine.
Molecular consequence: missense variant.
Genome position (GRCh38, 1-based): chr4:118,338,294, C>T on the plus strand (G>A on the coding strand, the complement: PRSS12 is on the minus strand). VCF-style: chr4-118338294-C-T. GRCh37 (hg19) VCF-style: chr4-119259449-C-T.
Other names: short protein forms G175S.
Identifiers: ClinVar variation 211964 (VCV000211964.41), dbSNP rs145151396, ClinGen allele CA206347.
Genomic context (GRCh38, chr4:118,338,294, plus strand): 5'-AGACAGTGCCCCAAACTCCACTTGCATATACTTCCACTGTGCCTTCAAACTCATTTTTGC[C>T]GCCACGAAGTCGTACTGATCCTAAAGTGGAAAAGAATCCCAAAACCCTTTAATAGTAAAT-3'
Protein context (NP_003610.2, residues 165-185): CRHGSVRLRG[Gly175Ser]KNEFEGTVEV

ClinVar aggregate classification (germline): Conflicting classifications of pathogenicity. Review status: criteria provided, conflicting classifications (1 of 4 stars). 7 submissions from 7 submitters: Uncertain significance (2); Likely benign (4). 1 of the submissions does not count toward it. Last evaluated 2026-08-01.

Conditions:
PRSS12-related disorder. Also called: PRSS12-related condition.
Intellectual developmental disorder, autosomal recessive 1. Also called: Intellectual disability, autosomal recessive 1; MENTAL RETARDATION, AUTOSOMAL RECESSIVE 1. Identifiers: Orphanet 88616, MedGen C1855304, MONDO:0009580, OMIM 249500.

Allele frequency attached by ClinVar (database versions not stated): gnomAD exomes 0.00201; ESP Exome Variant Server 0.00208; ExAC 0.00212; gnomAD 0.00263 and 0.00273; 1000 Genomes Project 0.00280; 1000 Genomes Project 30x 0.00281; TOPMed 0.00295.
gnomAD v4.1: 2,660 of 1,613,920 alleles (0.16%); highest among the groups gnomAD compares: Middle Eastern, 0.86%; 18 homozygotes.

Submissions (7):

CeGaT Center for Human Genetics Tuebingen
Classification: Likely benign. Last evaluated: 2026-08-01. Review status: criteria provided, single submitter. Criteria: CeGaT Center For Human Genetics Tuebingen Variant Classification Criteria Version 2. Collection method: clinical testing. Allele origin: germline. Affected: yes. Observed: 13 variant alleles.
Comment: PRSS12: BP4, BS2

Blueprint Genetics
Classification: Likely benign. Last evaluated: 2024-11-21. Review status: criteria provided, single submitter. Criteria: ACMG Guidelines, 2015. Collection method: clinical testing. Allele origin: germline.

Labcorp Genetics (formerly Invitae), Labcorp
Classification: Likely benign. Last evaluated: 2019-12-31. Review status: criteria provided, single submitter. Criteria: Invitae Variant Classification Sherloc (09022015). Collection method: clinical testing. Allele origin: germline.

Fulgent Genetics
Classification: Uncertain significance for Intellectual developmental disorder, autosomal recessive 1. Last evaluated: 2018-10-31. Review status: criteria provided, single submitter. Criteria: ACMG Guidelines, 2015. Collection method: clinical testing. Allele origin: unknown.

Illumina Laboratory Services, Illumina
Classification: Likely benign for Intellectual developmental disorder, autosomal recessive 1. Last evaluated: 2018-01-13. Review status: criteria provided, single submitter. Criteria: ICSL Variant Classification Criteria 13 December 2019. Collection method: clinical testing. Allele origin: germline.
Comment: This variant was observed in the ICSL laboratory as part of a predisposition screen in an ostensibly healthy population. It had not been previously curated by ICSL or reported in the Human Gene Mutation Database (HGMD: prior to June 1st, 2018), and was therefore a candidate for classification through an automated scoring system. Utilizing variant allele frequency, disease prevalence and penetrance estimates, and inheritance mode, an automated score was calculated to assess if this variant is too frequent to cause the disease. Based on the score and internal cut-off values, a variant classified as likely benign is not then subjected to further curation. The score for this variant resulted in a classification of likely benign for this disease.

Genetic Services Laboratory, University of Chicago
Classification: Uncertain significance. Last evaluated: 2015-07-22. Review status: criteria provided, single submitter. Criteria: ACMG Guidelines, 2015. Collection method: clinical testing. Allele origin: germline.

PreventionGenetics, part of Exact Sciences
Classification: Likely benign for PRSS12-related condition. Last evaluated: 2019-06-05. Review status: no assertion criteria provided. Collection method: clinical testing. Allele origin: germline. Not counted in ClinVar's aggregate classification.
Comment: This variant is classified as likely benign based on ACMG/AMP sequence variant interpretation guidelines (Richards et al. 2015 PMID: 25741868, with internal and published modifications).